The following is an entry in ClinVar:

NM_017617.5(NOTCH1):c.4778T>C (p.Leu1593Pro)

Gene: NOTCH1 (notch receptor 1; minus strand). Cytogenetic location: 9q34.3.
Variant type: single nucleotide variant.
Coding change: c.4778T>C on transcript NM_017617.5 (MANE Select); coding-DNA position 4778, T replaced by C.
Protein change: p.Leu1593Pro; replaces leucine 1593 with proline.
Molecular consequence: missense variant.
Genome position (GRCh38, 1-based): chr9:136,504,913, A>G on the plus strand (T>C on the coding strand, the complement: NOTCH1 is on the minus strand). VCF-style: chr9-136504913-A-G. GRCh37 (hg19) VCF-style: chr9-139399365-A-G.
Other names: short protein forms L1593P.
Identifiers: ClinVar variation 1719188 (VCV001719188.6), dbSNP rs2133336857, ClinGen allele CA375645037.

ClinVar aggregate classification (germline): Uncertain significance (1 of 4 stars; one submission).
ClinVar aggregate classification (oncogenicity): Oncogenic (1 of 4 stars; one submission).

Conditions:
Adams-Oliver syndrome 5 (AOS5). Identifiers: Orphanet 974, MedGen C4014970, MONDO:0014459, OMIM 616028.
Neoplasm. Also called: tumor; Neoplasms; Neoplasm (disease). Identifiers: MedGen C0027651, MeSH D009369, MONDO:0005070, HP:0002664.

Submissions (2):

Center for Genomic Medicine, Rigshospitalet, Copenhagen University Hospital
Classification: Oncogenic for Neoplasm. Last evaluated: 2025-12-29. Review status: criteria provided, single submitter. Criteria: ClinGen/CGC/VICC Guidelines for Oncogenicity, 2022. Collection method: clinical testing. Allele origin: somatic. Affected: yes.

Labcorp Genetics (formerly Invitae), Labcorp
Classification: Uncertain significance for Adams-Oliver syndrome 5. Last evaluated: 2022-09-10. Review status: criteria provided, single submitter. Criteria: Invitae Variant Classification Sherloc (09022015). Collection method: clinical testing. Allele origin: germline.
Comment: In summary, the available evidence is currently insufficient to determine the role of this variant in disease. Therefore, it has been classified as a Variant of Uncertain Significance. Advanced modeling of protein sequence and biophysical properties (such as structural, functional, and spatial information, amino acid conservation, physicochemical variation, residue mobility, and thermodynamic stability) performed at Invitae indicates that this missense variant is expected to disrupt NOTCH1 protein function. This variant has not been reported in the literature in individuals affected with NOTCH1-related conditions. This variant is not present in population databases (gnomAD no frequency). This sequence change replaces leucine, which is neutral and non-polar, with proline, which is neutral and non-polar, at codon 1593 of the NOTCH1 protein (p.Leu1593Pro).

Literature cited by the submitters: PubMed 16738328 (cited by Center for Genomic Medicine, Rigshospitalet, Copenhagen University Hospital).